The following is an entry in ClinVar:

ClinVar aggregate classification (germline): Likely benign. Review status: criteria provided, multiple submitters, no conflicts (2 of 4 stars). 3 submissions from 3 submitters: Likely benign (3). Last evaluated 2026-03-11.

Conditions:
SERPINA1-related disorder. Also called: SERPINA1-related condition; SerpinA1-related disorders.
Inborn genetic diseases. Identifiers: MedGen C0950123, MeSH D030342.
Alpha-1-antitrypsin deficiency (A1ATD). Also called: Alpha1-Antitrypsin Deficiency; AAT deficiency; A1AT deficiency. Identifiers: Orphanet 60, MedGen C0221757, MONDO:0013282, OMIM 613490.

Allele frequency attached by ClinVar (database versions not stated): gnomAD 0.00001; TOPMed 0.00002.

Submissions (3):

PreventionGenetics, part of Exact Sciences
Classification: Likely benign for SERPINA1-related condition. Last evaluated: 2026-03-11. Review status: criteria provided, single submitter. Criteria: ACMG Guidelines, 2015. Collection method: clinical testing. Allele origin: germline.
Comment: This variant is classified as likely benign based on ACMG/AMP sequence variant interpretation guidelines (Richards et al. 2015 PMID: 25741868, with internal and published modifications).

Labcorp Genetics (formerly Invitae), Labcorp
Classification: Likely benign for Alpha-1-antitrypsin deficiency. Last evaluated: 2021-08-07. Review status: criteria provided, single submitter. Criteria: Invitae Variant Classification Sherloc (09022015). Collection method: clinical testing. Allele origin: germline.

Ambry Genetics
Classification: Likely benign for Inborn genetic diseases. Last evaluated: 2019-06-30. Review status: criteria provided, single submitter. Criteria: Ambry Variant Classification Scheme 2023. Collection method: clinical testing. Allele origin: germline.

NM_000295.5(SERPINA1):c.102G>A (p.Lys34=)

Gene: SERPINA1 (serpin family A member 1; minus strand). Cytogenetic location: 14q32.13.
Variant type: single nucleotide variant.
Coding change: c.102G>A on transcript NM_000295.5 (MANE Select); coding-DNA position 102, G replaced by A.
Protein change: p.Lys34=; no amino-acid change (lysine 34 retained).
Molecular consequence: synonymous variant.
Genome position (GRCh38, 1-based): chr14:94,383,136, C>T on the plus strand (G>A on the coding strand, the complement: SERPINA1 is on the minus strand). VCF-style: chr14-94383136-C-T. GRCh37 (hg19) VCF-style: chr14-94849473-C-T.
Other names: c.102G>A, p.Lys34= (NM_001002235.3, NM_001002236.3, NM_001127700.2 and 7 more transcripts).
Identifiers: ClinVar variation 756135 (VCV000756135.11), dbSNP rs864622049, ClinGen allele CA487841349.